The following is an entry in ClinVar:

NM_001291303.3(FAT4):c.6640G>T (p.Ala2214Ser)

Gene: FAT4 (FAT atypical cadherin 4; plus strand). Cytogenetic location: 4q28.1.
Variant type: single nucleotide variant.
Coding change: c.6640G>T on transcript NM_001291303.3 (MANE Select); coding-DNA position 6640, G replaced by T.
Protein change: p.Ala2214Ser; replaces alanine 2214 with serine.
Molecular consequence: missense variant.
Genome position (GRCh38, 1-based): chr4:125,415,603, G>T. VCF-style: chr4-125415603-G-T. GRCh37 (hg19) VCF-style: chr4-126336758-G-T.
Other names: c.6640G>T, p.Ala2214Ser (NM_001291285.3, NM_024582.6); c.6640G>T (NM_024582.4); short protein forms A2214S.
Identifiers: ClinVar variation 1368804 (VCV001368804.9), dbSNP rs149686118, ClinGen allele CA358130233.

ClinVar aggregate classification (germline): Uncertain significance. Review status: criteria provided, multiple submitters, no conflicts (2 of 4 stars). 2 submissions from 2 submitters: Uncertain significance (2). Last evaluated 2023-07-10.

Conditions:
Inborn genetic diseases. Identifiers: MedGen C0950123, MeSH D030342.

Submissions (2):

Labcorp Genetics (formerly Invitae), Labcorp
Classification: Uncertain significance. Last evaluated: 2023-07-10. Review status: criteria provided, single submitter. Criteria: Invitae Variant Classification Sherloc (09022015). Collection method: clinical testing. Allele origin: germline.
Comment: In summary, the available evidence is currently insufficient to determine the role of this variant in disease. Therefore, it has been classified as a Variant of Uncertain Significance. Advanced modeling of protein sequence and biophysical properties (such as structural, functional, and spatial information, amino acid conservation, physicochemical variation, residue mobility, and thermodynamic stability) performed at Invitae indicates that this missense variant is expected to disrupt FAT4 protein function. ClinVar contains an entry for this variant (Variation ID: 1368804). This variant has not been reported in the literature in individuals affected with FAT4-related conditions. This variant is not present in population databases (gnomAD no frequency). This sequence change replaces alanine, which is neutral and non-polar, with serine, which is neutral and polar, at codon 2214 of the FAT4 protein (p.Ala2214Ser).

Ambry Genetics
Classification: Uncertain significance for Inborn genetic diseases. Last evaluated: 2021-07-06. Review status: criteria provided, single submitter. Criteria: Ambry Variant Classification Scheme 2023. Collection method: clinical testing. Allele origin: germline.